The following is an entry in ClinVar:

ClinVar aggregate classification (germline): Likely pathogenic (1 of 4 stars; one submission).

Conditions:
Autosomal recessive limb-girdle muscular dystrophy type 2J (LGMDR10). Also called: Limb-girdle muscular dystrophy, type 2J; MUSCULAR DYSTROPHY, LIMB-GIRDLE, AUTOSOMAL RECESSIVE 10. Identifiers: Orphanet 140922, MedGen C1837342, MONDO:0012127, OMIM 608807.
Dilated cardiomyopathy 1G (CMD1G). Identifiers: Orphanet 154, MedGen C1858763, MONDO:0011400, OMIM 604145.

Submission:

Labcorp Genetics (formerly Invitae), Labcorp
Classification: Likely pathogenic for Dilated cardiomyopathy 1G; Autosomal recessive limb-girdle muscular dystrophy type 2J. Last evaluated: 2023-11-07. Review status: criteria provided, single submitter. Criteria: Invitae Variant Classification Sherloc (09022015). Collection method: clinical testing. Allele origin: germline.
Comment: This sequence change creates a premature translational stop signal (p.Gly23323Valfs*7) in the TTN gene. While this is not anticipated to result in nonsense mediated decay, it is expected to create a truncated TTN protein. This variant is not present in population databases (gnomAD no frequency). This variant has not been reported in the literature in individuals affected with TTN-related conditions. This variant is located in the A band of TTN (PMID: 25589632). Truncating variants in this region are significantly overrepresented in patients affected with dilated cardiomyopathy (PMID: 25589632). Truncating variants in this region have also been reported in individuals affected with autosomal recessive centronuclear myopathy (PMID: 23975875). In summary, the currently available evidence indicates that the variant is pathogenic, but additional data are needed to prove that conclusively. Therefore, this variant has been classified as Likely Pathogenic.

Literature cited by the submitters: PubMed 25589632; PubMed 23975875.

NM_001267550.2(TTN):c.69968del (p.Gly23323fs)

Genes: TTN-AS1 (TTN antisense RNA 1; plus strand), TTN (titin; minus strand), LOC126806422 (BRD4-independent group 4 enhancer GRCh37_chr2:179440205-179441404; plus strand). Cytogenetic location: 2q31.2.
Variant type: Deletion.
Coding change: c.69968del on transcript NM_001267550.2 (MANE Select); coding-DNA position 69968, one base deleted (G; older notation c.69968delG).
Protein change: p.Gly23323fs; shifts the reading frame from glycine 23323.
Molecular consequence: frameshift variant.
Genome position (GRCh38, 1-based): chr2:178,576,164, C deleted on the plus strand (G on the coding strand, the reverse complement: TTN is on the minus strand); the first of 2 consecutive C bases (chr2:178,576,164-178,576,165); deleting either gives the same sequence. VCF-style (leftmost placement, unchanged base first): chr2-178576163-AC-A. GRCh37 (hg19) VCF-style: chr2-179440890-AC-A.
Other names: c.65045del, p.Gly21682fs (NM_001256850.1); c.42773del, p.Gly14258fs (NM_003319.4); c.62264del, p.Gly20755fs (NM_133378.4); c.43148del, p.Gly14383fs (NM_133432.3); c.43349del, p.Gly14450fs (NM_133437.4); short protein forms G21682fs, G23323fs, G14258fs, G14383fs, G14450fs, G20755fs.
Identifiers: ClinVar variation 2953645 (VCV002953645.3), dbSNP rs2468715108, ClinGen allele CA2740096034.
Genomic context (GRCh38, chr2:178,576,163, plus strand): 5'-ATCAGGAGCCATCTCCCGTTCTACGATTTCAACATCTGGAATCACCGCTGGCTCCCCAAC[AC>A]CTGCATCGTTGATGGCACTGATTCTGAAGTTGTATTTTTCTTTAGTCTGAAGATCAGGAA-3'